The following is an entry in ClinVar:

NM_018368.4(LMBRD1):c.430A>G (p.Thr144Ala)

Gene: LMBRD1 (LMBR1 domain containing 1; minus strand). Cytogenetic location: 6q13.
Variant type: single nucleotide variant.
Coding change: c.430A>G on transcript NM_018368.4 (MANE Select); coding-DNA position 430, A replaced by G.
Protein change: p.Thr144Ala; replaces threonine 144 with alanine.
Molecular consequence: missense variant.
Genome position (GRCh38, 1-based): chr6:69,749,384, T>C on the plus strand (A>G on the coding strand, the complement: LMBRD1 is on the minus strand). VCF-style: chr6-69749384-T-C. GRCh37 (hg19) VCF-style: chr6-70459276-T-C.
Other names: c.211A>G, p.Thr71Ala (NM_001363722.2, NM_001367271.1, NM_001367272.1); short protein forms T144A, T71A.
Identifiers: ClinVar variation 444690 (VCV000444690.52), dbSNP rs12214456, ClinGen allele CA3879900.

ClinVar aggregate classification (germline): Uncertain significance. Review status: criteria provided, multiple submitters, no conflicts (2 of 4 stars). 5 submissions from 5 submitters: Uncertain significance (5). Last evaluated 2026-03-01.

Conditions:
Methylmalonic aciduria and homocystinuria type cblF. Also called: METHYLMALONIC ACIDEMIA AND HOMOCYSTINURIA, cblF TYPE; METHYLMALONIC ACIDURIA DUE TO VITAMIN B12-RELEASE DEFECT; COBALAMIN F DISEASE; COBALAMIN, DEFECT IN LYSOSOMAL RELEASE OF; VITAMIN B12 LYSOSOMAL RELEASE DEFECT; VITAMIN B12 STORAGE DISEASE. Identifiers: Orphanet 79284, MedGen C1848578, MONDO:0010183, OMIM 277380.

Allele frequency attached by ClinVar (database versions not stated): ExAC 0.00016; gnomAD 0.00017; gnomAD exomes 0.00019 and 0.00027; TOPMed 0.00019; ESP Exome Variant Server 0.00031.
gnomAD v4.1: 431 of 1,612,498 alleles (0.027%); highest among the groups gnomAD compares: Middle Eastern, 0.066%; no homozygotes.

Submissions (5):

CeGaT Center for Human Genetics Tuebingen
Classification: Uncertain significance. Last evaluated: 2026-03-01. Review status: criteria provided, single submitter. Criteria: CeGaT Center For Human Genetics Tuebingen Variant Classification Criteria Version 2. Collection method: clinical testing. Allele origin: germline. Affected: yes. Observed: 2 variant alleles.
Comment: LMBRD1: PM2

Fulgent Genetics
Classification: Uncertain significance for Methylmalonic aciduria and homocystinuria type cblF. Last evaluated: 2024-03-04. Review status: criteria provided, single submitter. Criteria: ACMG Guidelines, 2015. Collection method: clinical testing. Allele origin: germline.

Labcorp Genetics (formerly Invitae), Labcorp
Classification: Uncertain significance for Methylmalonic aciduria and homocystinuria type cblF. Last evaluated: 2022-02-18. Review status: criteria provided, single submitter. Criteria: Invitae Variant Classification Sherloc (09022015). Collection method: clinical testing. Allele origin: germline.
Comment: This sequence change replaces threonine, which is neutral and polar, with alanine, which is neutral and non-polar, at codon 144 of the LMBRD1 protein (p.Thr144Ala). This variant is present in population databases (rs12214456, gnomAD 0.03%). This variant has not been reported in the literature in individuals affected with LMBRD1-related conditions. ClinVar contains an entry for this variant (Variation ID: 444690). Algorithms developed to predict the effect of missense changes on protein structure and function are either unavailable or do not agree on the potential impact of this missense change (SIFT: "Deleterious"; PolyPhen-2: "Benign"; Align-GVGD: "Class C0"). In summary, the available evidence is currently insufficient to determine the role of this variant in disease. Therefore, it has been classified as a Variant of Uncertain Significance.

GeneDx
Classification: Uncertain significance. Last evaluated: 2020-11-24. Review status: criteria provided, single submitter. Criteria: GeneDx Variant Classification Process June 2021. Collection method: clinical testing. Allele origin: germline. Affected: yes.
Comment: In silico analysis supports that this missense variant has a deleterious effect on protein structure/function; Has not been previously published as pathogenic or benign to our knowledge

Illumina Laboratory Services, Illumina
Classification: Uncertain significance for Methylmalonic aciduria and homocystinuria type cblF. Last evaluated: 2017-04-27. Review status: criteria provided, single submitter. Criteria: ICSL Variant Classification Criteria 13 December 2019. Collection method: clinical testing. Allele origin: germline.